The following is an entry in ClinVar:

ClinVar aggregate classification (germline): Uncertain significance (1 of 4 stars; one submission).

Conditions:
Epilepsy, familial adult myoclonic, 5 (EPEO5). Also called: CORTICAL MYOCLONIC TREMOR WITH EPILEPSY, FAMILIAL, 5. Identifiers: Orphanet 86814, MedGen C3809374, MONDO:0014167, OMIM 615400.

Allele frequency attached by ClinVar (database versions not stated): TOPMed 0.00002; gnomAD 0.00001.
gnomAD v4.1: 1 of 1,613,728 alleles (0.000062%); highest among the groups gnomAD compares: African/African-American, 0.0013%; no homozygotes.

Submission:

Labcorp Genetics (formerly Invitae), Labcorp
Classification: Uncertain significance for Epilepsy, familial adult myoclonic, 5. Last evaluated: 2021-09-19. Review status: criteria provided, single submitter. Criteria: Invitae Variant Classification Sherloc (09022015). Collection method: clinical testing. Allele origin: germline.
Comment: This sequence change replaces aspartic acid with asparagine at codon 796 of the CNTN2 protein (p.Asp796Asn). The aspartic acid residue is moderately conserved and there is a small physicochemical difference between aspartic acid and asparagine. This variant is not present in population databases (ExAC no frequency). This variant has not been reported in the literature in individuals affected with CNTN2-related conditions. Advanced modeling of protein sequence and biophysical properties (such as structural, functional, and spatial information, amino acid conservation, physicochemical variation, residue mobility, and thermodynamic stability) performed at Invitae indicates that this missense variant is not expected to disrupt CNTN2 protein function. In summary, the available evidence is currently insufficient to determine the role of this variant in disease. Therefore, it has been classified as a Variant of Uncertain Significance.

NM_005076.5(CNTN2):c.2386G>A (p.Asp796Asn)

Gene: CNTN2 (contactin 2; plus strand). Cytogenetic location: 1q32.1.
Variant type: single nucleotide variant.
Coding change: c.2386G>A on transcript NM_005076.5 (MANE Select); coding-DNA position 2386, G replaced by A.
Protein change: p.Asp796Asn; replaces aspartic acid 796 with asparagine.
Molecular consequence: missense variant. On other transcripts: non-coding transcript variant (1).
Genome position (GRCh38, 1-based): chr1:205,070,016, G>A. VCF-style: chr1-205070016-G-A. GRCh37 (hg19) VCF-style: chr1-205039144-G-A.
Other names: c.2386G>A, p.Asp796Asn (NM_001346083.2); short protein forms D796N.
Identifiers: ClinVar variation 1433122 (VCV001433122.3), dbSNP rs1374137076, ClinGen allele CA344379232.